The following is an entry in ClinVar:

ClinVar aggregate classification (germline): Likely benign. Review status: criteria provided, multiple submitters, no conflicts (2 of 4 stars). 3 submissions from 3 submitters: Likely benign (3). Last evaluated 2025-10-01.

Allele frequency attached by ClinVar (database versions not stated): 1000 Genomes Project 0.00060.
gnomAD v4.1: 189 of 1,581,500 alleles (0.012%); highest among the groups gnomAD compares: East Asian, 0.39%; no homozygotes.

Submissions (3):

CeGaT Center for Human Genetics Tuebingen
Classification: Likely benign. Last evaluated: 2025-10-01. Review status: criteria provided, single submitter. Criteria: CeGaT Center For Human Genetics Tuebingen Variant Classification Criteria Version 2. Collection method: clinical testing. Allele origin: germline. Affected: yes. Observed: 1 variant allele.
Comment: TRRAP: BP4, BP7

Labcorp Genetics (formerly Invitae), Labcorp
Classification: Likely benign. Last evaluated: 2025-06-04. Review status: criteria provided, single submitter. Criteria: Invitae Variant Classification Sherloc (09022015). Collection method: clinical testing. Allele origin: germline.

Blueprint Genetics
Classification: Likely benign. Last evaluated: 2023-11-14. Review status: criteria provided, single submitter. Criteria: ACMG Guidelines, 2015. Collection method: clinical testing. Allele origin: germline.

NM_001375524.1(TRRAP):c.1503C>T (p.Ala501=)

Gene: TRRAP (transformation/transcription domain associated protein; plus strand). Cytogenetic location: 7q22.1.
Variant type: single nucleotide variant.
Coding change: c.1503C>T on transcript NM_001375524.1 (MANE Select); coding-DNA position 1503, C replaced by T.
Protein change: p.Ala501=; no amino-acid change (alanine 501 retained).
Molecular consequence: synonymous variant.
Genome position (GRCh38, 1-based): chr7:98,910,208, C>T. VCF-style: chr7-98910208-C-T. GRCh37 (hg19) VCF-style: chr7-98507831-C-T.
Other names: c.1503C>T, p.Ala501= (NM_001244580.2, NM_003496.4).
Identifiers: ClinVar variation 2069262 (VCV002069262.11), dbSNP rs201213474, ClinGen allele CA4359533.